The following is an entry in ClinVar:

ClinVar aggregate classification (germline): Conflicting classifications of pathogenicity. Review status: criteria provided, conflicting classifications (1 of 4 stars). 2 submissions from 2 submitters: Uncertain significance (1); Likely benign (1). Last evaluated 2026-01-18.

Conditions:
Galactosylceramide beta-galactosidase deficiency. Also called: Krabbe Disease; GALACTOCEREBROSIDASE DEFICIENCY; GALC DEFICIENCY; GLOBOID CELL LEUKOENCEPHALOPATHY; Leukodystrophy, Globoid Cell. Identifiers: Orphanet 487, MedGen C0023521, MONDO:0009499, OMIM 245200.

Allele frequency attached by ClinVar (database versions not stated): gnomAD exomes 0.00011 and 0.00028; gnomAD 0.00113 and 0.00116; TOPMed 0.00115; 1000 Genomes Project 0.00300; 1000 Genomes Project 30x 0.00328; ExAC 0.00035; ESP Exome Variant Server 0.00098.
gnomAD v4.1: 339 of 1,614,022 alleles (0.021%); highest among the groups gnomAD compares: African/African-American, 0.42%; 3 homozygotes.

Submissions (2):

Labcorp Genetics (formerly Invitae), Labcorp
Classification: Likely benign for Galactosylceramide beta-galactosidase deficiency. Last evaluated: 2026-01-18. Review status: criteria provided, single submitter. Criteria: Invitae Variant Classification Sherloc (09022015). Collection method: clinical testing. Allele origin: germline.

Mayo Clinic Laboratories, Mayo Clinic
Classification: Uncertain significance. Last evaluated: 2024-02-27. Review status: criteria provided, single submitter. Criteria: ACMG Guidelines, 2015. Collection method: clinical testing. Allele origin: germline. Observed: 1 variant allele.
Comment: BS1

NM_000153.4(GALC):c.530C>A (p.Thr177Asn)

Gene: GALC (galactosylceramidase; minus strand). Cytogenetic location: 14q31.3.
Variant type: single nucleotide variant.
Coding change: c.530C>A on transcript NM_000153.4 (MANE Select); coding-DNA position 530, C replaced by A.
Protein change: p.Thr177Asn; replaces threonine 177 with asparagine.
Molecular consequence: missense variant.
Genome position (GRCh38, 1-based): chr14:87,984,446, G>T on the plus strand (C>A on the coding strand, the complement: GALC is on the minus strand). VCF-style: chr14-87984446-G-T. GRCh37 (hg19) VCF-style: chr14-88450790-G-T.
Other names: p.Thr177Asn; c.461C>A, p.Thr154Asn (NM_001201401.2); c.452C>A, p.Thr151Asn (NM_001201402.2); short protein forms T177N, T151N, T154N.
Identifiers: ClinVar variation 702775 (VCV000702775.12), dbSNP rs115869593, ClinGen allele CA7297340.